The following is an entry in ClinVar:

ClinVar aggregate classification (germline): Uncertain significance (1 of 4 stars; one submission).

gnomAD v4.1: 5 of 1,613,996 alleles (0.00031%); highest among the groups gnomAD compares: Admixed American, 0.0033%; no homozygotes.

Submission:

Women's Health and Genetics/Laboratory Corporation of America, LabCorp
Classification: Uncertain significance. Last evaluated: 2025-10-30. Review status: criteria provided, single submitter. Criteria: LabCorp Variant Classification Summary - May 2015. Collection method: clinical testing. Allele origin: germline.
Comment: Variant summary: MACF1 c.9068A>G (p.Asp3023Gly) results in a non-conservative amino acid change in the encoded protein sequence. Algorithms developed to predict the effect of missense changes on protein structure and function are either unavailable or do not agree on the potential impact of this missense change. The variant allele was found at a frequency of 8e-06 in 251336 control chromosomes. The available data on variant occurrences in the general population are insufficient to allow any conclusion about variant significance. To our knowledge, no occurrence of c.9068A>G in individuals affected with MACF1-related conditions and no experimental evidence demonstrating its impact on protein function have been reported. No submitters have cited clinical-significance assessments for this variant to ClinVar. Based on the evidence outlined above, the variant was classified as uncertain significance.

NM_001394062.1(MACF1):c.15254A>G (p.Asp5085Gly)

Gene: MACF1 (microtubule actin crosslinking factor 1; plus strand). Cytogenetic location: 1p34.3.
Variant type: single nucleotide variant.
Coding change: c.15254A>G on transcript NM_001394062.1 (MANE Select); coding-DNA position 15254, A replaced by G.
Protein change: p.Asp5085Gly; replaces aspartic acid 5085 with glycine.
Molecular consequence: missense variant.
Genome position (GRCh38, 1-based): chr1:39,388,096, A>G. VCF-style: chr1-39388096-A-G. GRCh37 (hg19) VCF-style: chr1-39853768-A-G.
Other names: c.9068A>G, p.Asp3023Gly (NM_012090.5); short protein forms D3023G, D5085G.
Identifiers: ClinVar variation 4687350 (VCV004687350.1).